The following is an entry in ClinVar:

ClinVar aggregate classification (germline): Pathogenic/Likely pathogenic. Review status: criteria provided, multiple submitters, no conflicts (2 of 4 stars). 8 submissions from 8 submitters: Pathogenic (2); Likely pathogenic (3). 3 of the submissions do not count toward it. Last evaluated 2025-12-10.

Conditions:
PROS1-related disorder. Also called: PROS1-related condition.
Thrombophilia due to protein S deficiency, autosomal dominant (THPH5). Identifiers: Orphanet 26349, Orphanet 743, MedGen C3278211, MONDO:0012868, OMIM 612336. Disease mechanism: loss of function.
Thrombophilia due to protein S deficiency, autosomal recessive (THPH6). Identifiers: Orphanet 743, MedGen C3281092, MONDO:0013791, OMIM 614514. Disease mechanism: loss of function.

Allele frequency attached by ClinVar (database versions not stated): gnomAD 0.00002; TOPMed 0.00002; gnomAD exomes 0.00004; ExAC 0.00079.

Submissions (8):

Labcorp Genetics (formerly Invitae), Labcorp
Classification: Pathogenic for Thrombophilia due to protein S deficiency, autosomal recessive. Last evaluated: 2025-12-10. Review status: criteria provided, single submitter. Criteria: Invitae Variant Classification Sherloc (09022015). Collection method: clinical testing. Allele origin: germline.
Comment: This sequence change replaces glutamic acid, which is acidic and polar, with alanine, which is neutral and non-polar, at codon 67 of the PROS1 protein (p.Glu67Ala). The frequency data for this variant in the population databases is considered unreliable, as metrics indicate poor data quality at this position in the gnomAD database. This missense change has been observed in individuals with protein S deficiency (PMID: 7803790, 18435454, 20880255, 22261441, 27748013, 30669159). It has also been observed to segregate with disease in related individuals. This variant is also known as Glu26Ala. ClinVar contains an entry for this variant (Variation ID: 945955). Invitae Evidence Modeling of protein sequence and biophysical properties (such as structural, functional, and spatial information, amino acid conservation, physicochemical variation, residue mobility, and thermodynamic stability) indicates that this missense variant is expected to disrupt PROS1 protein function with a positive predictive value of 80%. Experimental studies have shown that this missense change affects PROS1 function (PMID: 15712227, 17157360). For these reasons, this variant has been classified as Pathogenic.

Mayo Clinic Laboratories, Mayo Clinic
Classification: Pathogenic. Last evaluated: 2025-05-21. Review status: criteria provided, single submitter. Criteria: ACMG Guidelines, 2015. Collection method: clinical testing. Allele origin: germline. Observed: 4 variant alleles.
Comment: PP1_strong, PP3_strong, PM1, PM2_supporting, PM3, PS3, PS4_very_strong

Fulgent Genetics
Classification: Likely pathogenic for Thrombophilia due to protein S deficiency, autosomal dominant; Thrombophilia due to protein S deficiency, autosomal recessive. Last evaluated: 2021-10-20. Review status: criteria provided, single submitter. Criteria: ACMG Guidelines, 2015. Collection method: clinical testing. Allele origin: unknown.

ISTH-SSC Genomics in Thrombosis and Hemostasis, KU Leuven, Center for Molecular and Vascular Biology
Classification: Likely pathogenic for Thrombophilia due to protein S deficiency, autosomal dominant. Review status: criteria provided, single submitter. Criteria: ACMG Guidelines, 2015. Collection method: clinical testing. Allele origin: unknown. Affected: yes. Observed: 2 heterozygotes.
Comment: GoldVariant submitter: Dr Karyn Mégy NIHR Bioresource - Cambridge University, UK

Juno Genomics, Hangzhou Juno Genomics, Inc
Classification: Likely pathogenic for Thrombophilia due to protein S deficiency, autosomal dominant; Thrombophilia due to protein S deficiency, autosomal recessive. Review status: criteria provided, single submitter. Criteria: ACMG Guidelines, 2015. Collection method: clinical testing. Allele origin: germline.
Comment: Absent from controls (or at extremely low frequency if recessive) in Genome Aggregation Database.;Well-established in vitro or in vivo functional studies supportive of a damaging effect on the gene or gene product.;The prevalence of the variant in affected individuals is significantly increased compared to the prevalence in controls.;Patient's phenotype or family history is highly specific for a disease with a single genetic etiology.

Department of Transfusion Medicine and Hemostaseology, University Hospital Erlangen
Classification: Pathogenic for Thrombophilia due to protein S deficiency, autosomal dominant. Last evaluated: 2025-09-01. Review status: no assertion criteria provided. Collection method: clinical testing. Allele origin: germline. Not counted in ClinVar's aggregate classification.
Comment: This variant was identified during a screening of patients with suspected hereditary Protein S deficiency. It has been repeatedly described in the literature as correlating with protein S deficiency (e.g., PMID: 22261441, 27748013, 30669159) and has been characterized in vitro as causative for Protein S deficiency (PMID: 17157360). According to dbSNP it represents a very rare genetic alteration, previously not detected in the European population according to the Allele Frequency Aggregator dataset. Several in silico variant effect prediction tools (PolyPhen-2, SIFT, AlphaMissense) classify this variant as likely pathogenic. Taken together, we classified this variant as pathogenic.

PreventionGenetics, part of Exact Sciences
Classification: Likely pathogenic for PROS1-related condition. Last evaluated: 2024-01-26. Review status: no assertion criteria provided. Collection method: clinical testing. Allele origin: germline. Not counted in ClinVar's aggregate classification.
Comment: The PROS1 c.200A>C variant is predicted to result in the amino acid substitution p.Glu67Ala. This variant is alternatively referred to as p.Glu26Ala using legacy nomenclature. This variant was reported in the heterozygous state in multiple individuals with protein S deficiency and segregated with the disorder in several families (Gandrille et al. 1995. PubMed ID: 7803790; Li et al. 2019. PubMed ID: 30669159; Alhenc-Gelas et al. 2010. PubMed ID: 20880255; Duebgen et al. 2012. PubMed ID: 22261441). In vitro experimental studies suggest this variant impacts protein function (Castanman et al. 2007. PubMed ID: 17157360; Biguzzi et al. 2005. PubMed ID: 15712227). This variant is reported in 0.024% of alleles in individuals of African descent in gnomAD. This variant is interpreted as likely pathogenic.

Kasturba Medical College, Manipal, Kasturba Medical College, Manipal, Manipal Academy of Higher Education, Manipal, India
Classification: Uncertain significance for Thrombophilia due to protein S deficiency, autosomal dominant. Last evaluated: 2026-06-03. Review status: flagged submission. Criteria: ACMG Guidelines, 2015. Collection method: research. Allele origin: maternal. Inheritance: Autosomal dominant inheritance. Affected: yes. Observed: 1 variant allele, 1 heterozygote. Not counted in ClinVar's aggregate classification.
Comment: This variant is present in 33 individuals (allele frequency: 0.00002047) in heterozygous state in gnomAD (v4.1.0) population database. This variant is absent in our in-house data of 4264 exomes. In-silico analysis tools (CADD_phred and MutationTaster) predict the variant to be disease-causing and likely to affect the PROS1 protein function
ClinVar note: Reason: Outlier claim with insufficient supporting evidence

Literature cited by the submitters: PubMed 7803790 (cited by Labcorp Genetics (formerly Invitae), Labcorp and Mayo Clinic Laboratories, Mayo Clinic); PubMed 18435454 (cited by Labcorp Genetics (formerly Invitae), Labcorp); PubMed 20880255 (cited by Labcorp Genetics (formerly Invitae), Labcorp); PubMed 22261441 (cited by 3 submitters); PubMed 27748013 (cited by 3 submitters); PubMed 30669159 (cited by 3 submitters); PubMed 15712227 (cited by 3 submitters); PubMed 17157360 (cited by 3 submitters); PubMed 24144709 (cited by Mayo Clinic Laboratories, Mayo Clinic); PubMed 34533296 (cited by Mayo Clinic Laboratories, Mayo Clinic); PubMed 35090231 (cited by Mayo Clinic Laboratories, Mayo Clinic); PubMed 35815065 (cited by Mayo Clinic Laboratories, Mayo Clinic); PubMed 38175252 (cited by Mayo Clinic Laboratories, Mayo Clinic); PubMed 34355501 (cited by ISTH-SSC Genomics in Thrombosis and Hemostasis, KU Leuven, Center for Molecular and Vascular Biology).

NM_000313.4(PROS1):c.200A>C (p.Glu67Ala)

Gene: PROS1 (protein S; minus strand). Cytogenetic location: 3q11.1.
Variant type: single nucleotide variant.
Coding change: c.200A>C on transcript NM_000313.4 (MANE Select); coding-DNA position 200, A replaced by C.
Protein change: p.Glu67Ala; replaces glutamic acid 67 with alanine.
Molecular consequence: missense variant.
Genome position (GRCh38, 1-based): chr3:93,927,284, T>G on the plus strand (A>C on the coding strand, the complement: PROS1 is on the minus strand). VCF-style: chr3-93927284-T-G. GRCh37 (hg19) VCF-style: chr3-93646128-T-G.
Other names: p.Glu67Ala; c.296A>C, p.Glu99Ala (NM_001314077.2); short protein forms E67A, E99A.
Identifiers: ClinVar variation 945955 (VCV000945955.15), dbSNP rs766423432, ClinGen allele CA2503575.